The following is an entry in ClinVar:

ClinVar aggregate classification (germline): Uncertain significance (1 of 4 stars; one submission).

Conditions:
Neuropathy, hereditary motor and sensory, type 6B (HMSN6B). Also called: Neuropathy, hereditary motor and sensory, type VIB; NEUROPATHY, HEREDITARY MOTOR AND SENSORY, TYPE VIB, WITH OPTIC ATROPHY; HMSN VIB; CHARCOT-MARIE-TOOTH DISEASE, TYPE 6B. Identifiers: MedGen C4225302, MONDO:0014671, OMIM 616505.

gnomAD v4.1: 1 of 1,579,894 alleles (0.000063%); highest among the groups gnomAD compares: Non-Finnish European, 0.000086%; no homozygotes.

Submission:

Labcorp Genetics (formerly Invitae), Labcorp
Classification: Uncertain significance for Neuropathy, hereditary motor and sensory, type 6B. Last evaluated: 2021-03-23. Review status: criteria provided, single submitter. Criteria: Invitae Variant Classification Sherloc (09022015). Collection method: clinical testing. Allele origin: germline.
Comment: In summary, the available evidence is currently insufficient to determine the role of this variant in disease. Therefore, it has been classified as a Variant of Uncertain Significance. Algorithms developed to predict the effect of missense changes on protein structure and function are either unavailable or do not agree on the potential impact of this missense change (SIFT: "Tolerated"; PolyPhen-2: "Possibly Damaging"; Align-GVGD: "Class C0"). This variant has not been reported in the literature in individuals with SLC25A46-related conditions. This variant is not present in population databases (ExAC no frequency). This sequence change replaces leucine with proline at codon 39 of the SLC25A46 protein (p.Leu39Pro). The leucine residue is weakly conserved and there is a moderate physicochemical difference between leucine and proline.

NM_138773.4(SLC25A46):c.116T>C (p.Leu39Pro)

Gene: SLC25A46 (solute carrier family 25 member 46; plus strand). Cytogenetic location: 5q22.1.
Variant type: single nucleotide variant.
Coding change: c.116T>C on transcript NM_138773.4 (MANE Select); coding-DNA position 116, T replaced by C.
Protein change: p.Leu39Pro; replaces leucine 39 with proline.
Molecular consequence: missense variant. On other transcripts: non-coding transcript variant (1), intron variant (1).
Genome position (GRCh38, 1-based): chr5:110,739,235, T>C. VCF-style: chr5-110739235-T-C. GRCh37 (hg19) VCF-style: chr5-110074936-T-C.
Other names: c.116T>C, p.Leu39Pro (NM_001303249.3); c.10+988T>C (NM_001303250.3); short protein forms L39P.
Identifiers: ClinVar variation 1380612 (VCV001380612.8), dbSNP rs2150404217, ClinGen allele CA360693177.